The following is an entry in ClinVar:

ClinVar aggregate classification (germline): Pathogenic. Review status: criteria provided, multiple submitters, no conflicts (2 of 4 stars). 2 submissions from 2 submitters: Pathogenic (2). Last evaluated 2024-10-14.

Conditions:
PKD2-related disorder. Also called: PKD2-related condition.
Polycystic kidney disease 2 (PKD2). Also called: Polycystic Kidney Disease 2, Autosomal Dominant; POLYCYSTIC KIDNEY DISEASE, ADULT, TYPE II; POLYCYSTIC KIDNEY DISEASE 2 WITH OR WITHOUT POLYCYSTIC LIVER DISEASE. Identifiers: MedGen C2751306, MONDO:0013131, OMIM 613095.

Submissions (2):

PreventionGenetics, part of Exact Sciences
Classification: Pathogenic for PKD2-related condition. Last evaluated: 2024-10-14. Review status: criteria provided, single submitter. Criteria: ACMG Guidelines, 2015. Collection method: clinical testing. Allele origin: germline.
Comment: The PKD2 c.339delG variant is predicted to result in a frameshift and premature protein termination (p.Met114Trpfs*3). This variant was reported in an individual with polycystic kidney disease (Friend et al. 2019. PubMed ID: 31197971). This variant has not been reported in a large population database (gnomAD), indicating this variant is rare. Frameshift variants in PKD2 are expected to be pathogenic. This variant is interpreted as pathogenic.

Fulgent Genetics
Classification: Pathogenic for Polycystic kidney disease 2. Last evaluated: 2024-03-07. Review status: criteria provided, single submitter. Criteria: ACMG Guidelines, 2015. Collection method: clinical testing. Allele origin: germline.

NM_000297.4(PKD2):c.339del (p.Met114fs)

Genes: PKD2 (polycystin 2, transient receptor potential cation channel; plus strand), LOC129992813 (ATAC-STARR-seq lymphoblastoid silent region 15559; plus strand). Cytogenetic location: 4q22.1.
Variant type: Deletion.
Coding change: c.339del on transcript NM_000297.4 (MANE Select); coding-DNA position 339, one base deleted (G; older notation c.339delG).
Protein change: p.Met114fs; shifts the reading frame from methionine 114.
Molecular consequence: frameshift variant. On other transcripts: non-coding transcript variant (1).
Genome position (GRCh38, 1-based): chr4:88,008,072, G deleted. VCF-style (leftmost placement, unchanged base first): chr4-88008071-AG-A. GRCh37 (hg19) VCF-style: chr4-88929223-AG-A.
Other names: c.339delG (NM_000297.3); short protein forms M114fs.
Identifiers: ClinVar variation 3591339 (VCV003591339.2).
Genomic context (GRCh38, chr4:88,008,071, plus strand): 5'-GCTTCGAGGCCGAGGAGGAGGAGGAGGAGGTGGAAGGGGAAGAAGGCGGAATGGTGGTGG[AG>A]ATGGACGTAGAGTGGCGCCCGGGCAGCCGGAGGTCGGCCGCCTCCTCGGCCGTGAGCTCC-3'